The following is an entry in ClinVar:

ClinVar aggregate classification (germline): Uncertain significance (1 of 4 stars; one submission).

Conditions:
Cardiomyopathy (CMYO). Also called: Cardiomyopathies. Identifiers: Orphanet 167848, MedGen C0878544, MONDO:0004994, HP:0001638. Inheritance: Various modes of inheritance.

Submission:

All of Us Research Program, National Institutes of Health
Classification: Uncertain significance for Cardiomyopathy. Last evaluated: 2024-03-05. Review status: criteria provided, single submitter. Criteria: ACMG Guidelines, 2015. Collection method: clinical testing. Allele origin: germline. Inheritance: Autosomal dominant inheritance. Observed: 1 variant allele, 1 heterozygote.
Comment: This study involves interpretation of variants in research participants for the purpose of population health screening. Participant phenotype was not available at the time of variant classification. Additional details can be found in publication PMID: 35346344, PMCID: PMC8962531

NM_000257.4(MYH7):c.23T>C (p.Val8Ala)

Gene: MYH7 (myosin heavy chain 7; minus strand). Cytogenetic location: 14q11.2.
Variant type: single nucleotide variant.
Coding change: c.23T>C on transcript NM_000257.4 (MANE Select); coding-DNA position 23, T replaced by C.
Protein change: p.Val8Ala; replaces valine 8 with alanine.
Molecular consequence: missense variant.
Genome position (GRCh38, 1-based): chr14:23,433,710, A>G on the plus strand (T>C on the coding strand, the complement: MYH7 is on the minus strand). VCF-style: chr14-23433710-A-G. GRCh37 (hg19) VCF-style: chr14-23902919-A-G.
Other names: c.23T>C, p.Val8Ala (NM_001407004.1); short protein forms V8A.
Identifiers: ClinVar variation 3387367 (VCV003387367.1).